The following is an entry in ClinVar:

NM_005157.6(ABL1):c.3127A>G (p.Ile1043Val)

Gene: ABL1 (ABL proto-oncogene 1, non-receptor tyrosine kinase; plus strand). Cytogenetic location: 9q34.12.
Variant type: single nucleotide variant.
Coding change: c.3127A>G on transcript NM_005157.6 (MANE Select); coding-DNA position 3127, A replaced by G.
Protein change: p.Ile1043Val; replaces isoleucine 1043 with valine.
Molecular consequence: missense variant.
Genome position (GRCh38, 1-based): chr9:130,885,417, A>G. VCF-style: chr9-130885417-A-G. GRCh37 (hg19) VCF-style: chr9-133760804-A-G.
Other names: c.3184A>G, p.Ile1062Val (NM_007313.3); short protein forms I1062V, I1043V.
Identifiers: ClinVar variation 1918276 (VCV001918276.29), dbSNP rs138480160, ClinGen allele CA5285866.

ClinVar aggregate classification (germline): Benign/Likely benign. Review status: criteria provided, multiple submitters, no conflicts (2 of 4 stars). 2 submissions from 2 submitters: Benign (1); Likely benign (1). Last evaluated 2025-07-28.

Allele frequency attached by ClinVar (database versions not stated): ESP Exome Variant Server 0.00008; ExAC 0.00015; 1000 Genomes Project 30x 0.00031; 1000 Genomes Project 0.00040.
gnomAD v4.1: 112 of 1,613,682 alleles (0.0069%); highest among the groups gnomAD compares: African/African-American, 0.004%; no homozygotes.

Submissions (2):

Labcorp Genetics (formerly Invitae), Labcorp
Classification: Benign. Last evaluated: 2025-07-28. Review status: criteria provided, single submitter. Criteria: Invitae Variant Classification Sherloc (09022015). Collection method: clinical testing. Allele origin: germline.

CeGaT Center for Human Genetics Tuebingen
Classification: Likely benign. Last evaluated: 2023-10-01. Review status: criteria provided, single submitter. Criteria: CeGaT Center For Human Genetics Tuebingen Variant Classification Criteria Version 2. Collection method: clinical testing. Allele origin: germline. Affected: yes. Observed: 1 variant allele.
Comment: ABL1: BP4